The following is an entry in ClinVar:

NM_006946.4(SPTBN2):c.6601G>A (p.Glu2201Lys)

Gene: SPTBN2 (spectrin beta, non-erythrocytic 2; minus strand). Cytogenetic location: 11q13.2.
Variant type: single nucleotide variant.
Coding change: c.6601G>A on transcript NM_006946.4 (MANE Select); coding-DNA position 6601, G replaced by A.
Protein change: p.Glu2201Lys; replaces glutamic acid 2201 with lysine.
Molecular consequence: missense variant.
Genome position (GRCh38, 1-based): chr11:66,687,548, C>T on the plus strand (G>A on the coding strand, the complement: SPTBN2 is on the minus strand). VCF-style: chr11-66687548-C-T. GRCh37 (hg19) VCF-style: chr11-66455019-C-T.
Other names: short protein forms E2201K.
Identifiers: ClinVar variation 805373 (VCV000805373.2), dbSNP rs1256781556, ClinGen allele CA381456529.

ClinVar aggregate classification (germline): Uncertain significance. Review status: criteria provided, multiple submitters, no conflicts (2 of 4 stars). 2 submissions from 2 submitters: Uncertain significance (2). Last evaluated 2023-05-15.

Allele frequency attached by ClinVar (database versions not stated): gnomAD exomes below 0.00001 and 0.00001; TOPMed below 0.00001.
gnomAD v4.1: 5 of 1,612,252 alleles (0.00031%); highest among the groups gnomAD compares: South Asian, 0.0011%; no homozygotes.

Submissions (2):

GeneDx
Classification: Uncertain significance. Last evaluated: 2023-05-15. Review status: criteria provided, single submitter. Criteria: GeneDx Variant Classification Process June 2021. Collection method: clinical testing. Allele origin: germline. Affected: yes.
Comment: In silico analysis supports that this missense variant does not alter protein structure/function; Has not been previously published as pathogenic or benign in association with ataxia to our knowledge; This variant is associated with the following publications: (PMID: 33726816)

Athena Diagnostics
Classification: Uncertain significance. Last evaluated: 2019-06-11. Review status: criteria provided, single submitter. Criteria: Athena Diagnostics Criteria. Collection method: clinical testing. Allele origin: germline.